The following is an entry in ClinVar:

ClinVar aggregate classification (germline): Likely benign (0 of 4 stars; one submission).

Conditions:
DSG4-related disorder. Also called: DSG4-related condition.

Allele frequency attached by ClinVar (database versions not stated): gnomAD exomes below 0.00001; ExAC 0.00001.
gnomAD v4.1: 6 of 1,612,744 alleles (0.00037%); highest among the groups gnomAD compares: South Asian, 0.0044%; no homozygotes.

Submission:

PreventionGenetics, part of Exact Sciences
Classification: Likely benign for DSG4-related condition. Last evaluated: 2020-07-20. Review status: no assertion criteria provided. Collection method: clinical testing. Allele origin: germline.
Comment: This variant is classified as likely benign based on ACMG/AMP sequence variant interpretation guidelines (Richards et al. 2015 PMID: 25741868, with internal and published modifications).

NM_177986.5(DSG4):c.517+8G>A

Genes: DSG1-AS1 (DSG1 antisense RNA 1; minus strand), DSG4 (desmoglein 4; plus strand). Cytogenetic location: 18q12.1.
Variant type: single nucleotide variant.
Coding change: c.517+8G>A on transcript NM_177986.5 (MANE Select); 8 bases into the intron after coding-DNA position 517, G replaced by A.
Molecular consequence: intron variant.
Genome position (GRCh38, 1-based): chr18:31,389,026, G>A. VCF-style: chr18-31389026-G-A. GRCh37 (hg19) VCF-style: chr18-28968989-G-A.
Other names: c.517+8G>A (NM_001134453.3).
Identifiers: ClinVar variation 3036597 (VCV003036597.2), dbSNP rs764234368, ClinGen allele CA8926738.